The following is an entry in ClinVar:

ClinVar aggregate classification (germline): Conflicting classifications of pathogenicity. Review status: criteria provided, conflicting classifications (1 of 4 stars). 3 submissions from 3 submitters: Uncertain significance (1); Likely benign (2). Last evaluated 2025-05-01.

Conditions:
Cardiovascular phenotype. Identifiers: MedGen CN230736.

Allele frequency attached by ClinVar (database versions not stated): gnomAD exomes 0.00001; TOPMed 0.00001.
gnomAD v4.1: 15 of 1,607,974 alleles (0.00093%); highest among the groups gnomAD compares: Non-Finnish European, 0.0012%; no homozygotes.

Submissions (3):

CeGaT Center for Human Genetics Tuebingen
Classification: Likely benign. Last evaluated: 2025-05-01. Review status: criteria provided, single submitter. Criteria: CeGaT Center For Human Genetics Tuebingen Variant Classification Criteria Version 2. Collection method: clinical testing. Allele origin: germline. Affected: yes. Observed: 1 variant allele.
Comment: TTN: BP4, BP7

Ambry Genetics
Classification: Likely benign for Cardiovascular phenotype. Last evaluated: 2020-05-06. Review status: criteria provided, single submitter. Criteria: Ambry Variant Classification Scheme 2023. Collection method: clinical testing. Allele origin: germline.

Eurofins Ntd Llc (ga)
Classification: Uncertain significance. Last evaluated: 2018-08-10. Review status: criteria provided, single submitter. Criteria: EGL ClinVar v180209 classification definitions. Collection method: clinical testing. Allele origin: germline. Observed: 1 variant allele, 1 heterozygote.

NM_001267550.2(TTN):c.43716G>T (p.Gly14572=)

Gene: TTN (titin; minus strand). Cytogenetic location: 2q31.2.
Variant type: single nucleotide variant.
Coding change: c.43716G>T on transcript NM_001267550.2 (MANE Select); coding-DNA position 43716, G replaced by T.
Protein change: p.Gly14572=; no amino-acid change (glycine 14572 retained).
Molecular consequence: synonymous variant.
Genome position (GRCh38, 1-based): chr2:178,632,178, C>A on the plus strand (G>T on the coding strand, the complement: TTN is on the minus strand). VCF-style: chr2-178632178-C-A. GRCh37 (hg19) VCF-style: chr2-179496905-C-A.
Other names: c.38793G>T, p.Gly12931= (NM_001256850.1); c.16521G>T, p.Gly5507= (NM_003319.4); c.36012G>T, p.Gly12004= (NM_133378.4); c.16896G>T, p.Gly5632= (NM_133432.3); c.17097G>T, p.Gly5699= (NM_133437.4).
Identifiers: ClinVar variation 598305 (VCV000598305.17), dbSNP rs200065187, ClinGen allele CA61003014.